The following is an entry in ClinVar:

ClinVar aggregate classification (germline): Uncertain significance (1 of 4 stars; one submission).

Submission:

Labcorp Genetics (formerly Invitae), Labcorp
Classification: Uncertain significance. Last evaluated: 2022-01-27. Review status: criteria provided, single submitter. Criteria: Invitae Variant Classification Sherloc (09022015). Collection method: clinical testing. Allele origin: germline.
Comment: In summary, the available evidence is currently insufficient to determine the role of this variant in disease. Therefore, it has been classified as a Variant of Uncertain Significance. Algorithms developed to predict the effect of missense changes on protein structure and function are either unavailable or do not agree on the potential impact of this missense change (SIFT: "Deleterious"; PolyPhen-2: "Probably Damaging"; Align-GVGD: "Class C0"). This variant has not been reported in the literature in individuals affected with TSEN54-related conditions. This variant is not present in population databases (gnomAD no frequency). This sequence change replaces valine, which is neutral and non-polar, with methionine, which is neutral and non-polar, at codon 458 of the TSEN54 protein (p.Val458Met).

NM_207346.3(TSEN54):c.1372G>A (p.Val458Met)

Gene: TSEN54 (tRNA splicing endonuclease subunit 54; plus strand). Cytogenetic location: 17q25.1.
Variant type: single nucleotide variant.
Coding change: c.1372G>A on transcript NM_207346.3 (MANE Select); coding-DNA position 1372, G replaced by A.
Protein change: p.Val458Met; replaces valine 458 with methionine.
Molecular consequence: missense variant.
Genome position (GRCh38, 1-based): chr17:75,523,721, G>A. VCF-style: chr17-75523721-G-A. GRCh37 (hg19) VCF-style: chr17-73519802-G-A.
Other names: short protein forms V458M.
Identifiers: ClinVar variation 2089576 (VCV002089576.4), dbSNP rs2546159730, ClinGen allele CA401030735.